The following is an entry in ClinVar:

NM_001205019.2(GK):c.214T>C (p.Cys72Arg)

Gene: GK (glycerol kinase; plus strand). Cytogenetic location: Xp21.2.
Variant type: single nucleotide variant.
Coding change: c.214T>C on transcript NM_001205019.2 (MANE Select); coding-DNA position 214, T replaced by C.
Protein change: p.Cys72Arg; replaces cysteine 72 with arginine.
Molecular consequence: missense variant. On other transcripts: non-coding transcript variant (1).
Genome position (GRCh38, 1-based): chrX:30,668,073, T>C. VCF-style: chrX-30668073-T-C. GRCh37 (hg19) VCF-style: chrX-30686190-T-C.
Other names: c.214T>C, p.Cys72Arg (NM_000167.6, NM_001128127.3, NM_001399987.1 and 1 more transcripts); short protein forms C72R.
Identifiers: ClinVar variation 3392722 (VCV003392722.1).

ClinVar aggregate classification (germline): Uncertain significance (1 of 4 stars; one submission).

Submission:

GeneDx
Classification: Uncertain significance. Last evaluated: 2024-06-24. Review status: criteria provided, single submitter. Criteria: GeneDx Variant Classification Process June 2021. Collection method: clinical testing. Allele origin: germline. Affected: yes.
Comment: Not observed at significant frequency in large population cohorts (gnomAD); In silico analysis supports that this missense variant has a deleterious effect on protein structure/function; Has not been previously published as pathogenic or benign to our knowledge